The following is an entry in ClinVar:

ClinVar aggregate classification (germline): Uncertain significance (1 of 4 stars; one submission).

gnomAD v4.1: 5 of 1,210,838 alleles (0.00041%); highest among the groups gnomAD compares: African/African-American, 0.007%; no homozygotes.

Submission:

Labcorp Genetics (formerly Invitae), Labcorp
Classification: Uncertain significance. Last evaluated: 2024-12-26. Review status: criteria provided, single submitter. Criteria: Invitae Variant Classification Sherloc (09022015). Collection method: clinical testing. Allele origin: germline.
Comment: This sequence change replaces leucine, which is neutral and non-polar, with proline, which is neutral and non-polar, at codon 64 of the CCNQ protein (p.Leu64Pro). This variant is present in population databases (rs376670332, gnomAD 0.01%). This variant has not been reported in the literature in individuals affected with CCNQ-related conditions. An algorithm developed to predict the effect of missense changes on protein structure and function outputs the following: PolyPhen-2: "Not Available". The proline amino acid residue is found in multiple mammalian species, which suggests that this missense change does not adversely affect protein function. In summary, the available evidence is currently insufficient to determine the role of this variant in disease. Therefore, it has been classified as a Variant of Uncertain Significance.

NM_152274.5(CCNQ):c.191T>C (p.Leu64Pro)

Gene: CCNQ (cyclin Q; minus strand). Cytogenetic location: Xq28.
Variant type: single nucleotide variant.
Coding change: c.191T>C on transcript NM_152274.5 (MANE Select); coding-DNA position 191, T replaced by C.
Protein change: p.Leu64Pro; replaces leucine 64 with proline.
Molecular consequence: missense variant.
Genome position (GRCh38, 1-based): chrX:153,596,109, A>G on the plus strand (T>C on the coding strand, the complement: CCNQ is on the minus strand). VCF-style: chrX-153596109-A-G. GRCh37 (hg19) VCF-style: chrX-152861567-A-G.
Other names: c.191T>C, p.Leu64Pro (NM_001130997.3); short protein forms L64P.
Identifiers: ClinVar variation 3685272 (VCV003685272.2).
Genomic context (GRCh38, chrX:153,596,109, plus strand): 5'-TCCACTTTGCCGGCCAAGTAAATTGAAGACATGGCAATCAGGTAAGGGTCATAGGCGTCC[A>G]GGTTGGTCTCGCAAAAGAACTTATGGTAAATGGTGCAAGCAGTGGCAATGGGAATGGACC-3'
Protein context (NP_689487.2, residues 54-74): IYHKFFCETN[Leu64Pro]DAYDPYLIAM